The following is an entry in ClinVar:

NM_078629.4(MSL3):c.158T>G (p.Leu53Arg)

Gene: MSL3 (MSL complex subunit 3; plus strand). Cytogenetic location: Xp22.2.
Variant type: single nucleotide variant.
Coding change: c.158T>G on transcript NM_078629.4 (MANE Select); coding-DNA position 158, T replaced by G.
Protein change: p.Leu53Arg; replaces leucine 53 with arginine.
Molecular consequence: missense variant. On other transcripts: 5 prime UTR variant (2).
Genome position (GRCh38, 1-based): chrX:11,759,848, T>G. VCF-style: chrX-11759848-T-G. GRCh37 (hg19) VCF-style: chrX-11777967-T-G.
Other names: c.158T>G (NM_078629.3); c.122T>G, p.Leu41Arg (NM_001193270.2); c.-207T>G (NM_001282174.1); c.-341T>G (NM_006800.4); c.158T>G, p.Leu53Arg (NM_078628.2); short protein forms L41R, L53R.
Identifiers: ClinVar variation 4074428 (VCV004074428.2).

ClinVar aggregate classification (germline): Uncertain significance. Review status: criteria provided, multiple submitters, no conflicts (2 of 4 stars). 2 submissions from 2 submitters: Uncertain significance (2). Last evaluated 2025-12-04.

Conditions:
Inborn genetic diseases. Identifiers: MedGen C0950123, MeSH D030342.

Submissions (2):

Ambry Genetics
Classification: Uncertain significance for Inborn genetic diseases. Last evaluated: 2025-12-04. Review status: criteria provided, single submitter. Criteria: Ambry Variant Classification Scheme 2023. Collection method: clinical testing. Allele origin: germline.

GeneDx
Classification: Uncertain significance. Last evaluated: 2025-02-08. Review status: criteria provided, single submitter. Criteria: GeneDx Variant Classification Process June 2021. Collection method: clinical testing. Allele origin: germline. Affected: yes.
Comment: Not observed at significant frequency in large population cohorts (gnomAD); In silico analysis supports that this missense variant has a deleterious effect on protein structure/function; Has not been previously published as pathogenic or benign to our knowledge; Reported using an alternate transcript of the gene